The following is an entry in ClinVar:

ClinVar aggregate classification (germline): Uncertain significance (1 of 4 stars; one submission).

Allele frequency attached by ClinVar (database versions not stated): gnomAD exomes 0.00001 and 0.00002; ExAC 0.00002; gnomAD 0.00003; 1000 Genomes Project 0.00020; 1000 Genomes Project 30x 0.00031.
gnomAD v4.1: 18 of 1,601,844 alleles (0.0011%); highest among the groups gnomAD compares: Admixed American, 0.0085%; no homozygotes.

Submission:

Labcorp Genetics (formerly Invitae), Labcorp
Classification: Uncertain significance. Last evaluated: 2025-04-21. Review status: criteria provided, single submitter. Criteria: Invitae Variant Classification Sherloc (09022015). Collection method: clinical testing. Allele origin: germline.
Comment: This sequence change replaces serine, which is neutral and polar, with phenylalanine, which is neutral and non-polar, at codon 261 of the SAMD11 protein (p.Ser261Phe). This variant is present in population databases (rs534726294, gnomAD 0.009%). This variant has not been reported in the literature in individuals affected with SAMD11-related conditions. ClinVar contains an entry for this variant (Variation ID: 1432645). An algorithm developed to predict the effect of missense changes on protein structure and function (PolyPhen-2) suggests that this variant is likely to be disruptive. In summary, the available evidence is currently insufficient to determine the role of this variant in disease. Therefore, it has been classified as a Variant of Uncertain Significance.

NM_001385641.1(SAMD11):c.1271C>T (p.Ser424Phe)

Gene: SAMD11 (sterile alpha motif domain containing 11; plus strand). Cytogenetic location: 1p36.33.
Variant type: single nucleotide variant.
Coding change: c.1271C>T on transcript NM_001385641.1 (MANE Select); coding-DNA position 1271, C replaced by T.
Protein change: p.Ser424Phe; replaces serine 424 with phenylalanine.
Molecular consequence: missense variant.
Genome position (GRCh38, 1-based): chr1:941,219, C>T. VCF-style: chr1-941219-C-T. GRCh37 (hg19) VCF-style: chr1-876599-C-T.
Other names: c.1274C>T, p.Ser425Phe (NM_001385640.1); c.782C>T, p.Ser261Phe (NM_152486.4); short protein forms S424F, S261F, S425F.
Identifiers: ClinVar variation 1432645 (VCV001432645.6), dbSNP rs534726294, ClinGen allele CA502801.